The following is an entry in ClinVar:

NM_000182.5(HADHA):c.-1G>T

Genes: HADHA (hydroxyacyl-CoA dehydrogenase trifunctional multienzyme complex subunit alpha; minus strand), HADHB (hydroxyacyl-CoA dehydrogenase trifunctional multienzyme complex subunit beta; plus strand). Cytogenetic location: 2p23.3.
Variant type: single nucleotide variant.
Coding change: c.-1G>T on transcript NM_000182.5 (MANE Select); 1 bases upstream of the start codon, G replaced by T.
Molecular consequence: 5 prime UTR variant.
Genome position (GRCh38, 1-based): chr2:26,244,597, C>A on the plus strand (G>T on the coding strand, the complement: HADHA is on the minus strand). VCF-style: chr2-26244597-C-A. GRCh37 (hg19) VCF-style: chr2-26467465-C-A.
Identifiers: ClinVar variation 92593 (VCV000092593.59), dbSNP rs72809666, ClinGen allele CA220469.

ClinVar aggregate classification (germline): Benign/Likely benign. Review status: criteria provided, multiple submitters, no conflicts (2 of 4 stars). 11 submissions from 9 submitters: Benign (1); Likely benign (8). 2 of the submissions do not count toward it. Last evaluated 2026-10-01.

Conditions:
Long chain 3-hydroxyacyl-CoA dehydrogenase deficiency. Also called: Deficiency of long-chain 3-hydroxyacyl-coenzyme A dehydrogenase; LCHAD Deficiency. Identifiers: Orphanet 5, MedGen C3711645, MONDO:0012173, OMIM 609016.
HADHA-related disorder. Also called: HADHA-related condition; HADHA-related disorders.
Mitochondrial trifunctional protein deficiency. Identifiers: Orphanet 746, MedGen C1969443, MONDO:0012172.

Allele frequency attached by ClinVar (database versions not stated): gnomAD 0.00211 and 0.00206; ESP Exome Variant Server 0.00232; TOPMed 0.00240; gnomAD exomes 0.00247 and 0.00353; ExAC 0.00364; 1000 Genomes Project 0.00060; 1000 Genomes Project 30x 0.00062.
gnomAD v4.1: 5,337 of 1,578,948 alleles (0.34%); highest among the groups gnomAD compares: Non-Finnish European, 0.42%; 14 homozygotes.

Submissions (11):

CeGaT Center for Human Genetics Tuebingen
Classification: Likely benign. Last evaluated: 2026-10-01. Review status: criteria provided, single submitter. Criteria: CeGaT Center For Human Genetics Tuebingen Variant Classification Criteria Version 2. Collection method: clinical testing. Allele origin: germline. Affected: yes. Observed: 25 variant alleles.
Comment: HADHA: BP4, BS2

Blueprint Genetics
Classification: Likely benign. Last evaluated: 2024-11-22. Review status: criteria provided, single submitter. Criteria: ACMG Guidelines, 2015. Collection method: clinical testing. Allele origin: germline.

Women's Health and Genetics/Laboratory Corporation of America, LabCorp
Classification: Benign. Last evaluated: 2024-02-20. Review status: criteria provided, single submitter. Criteria: LabCorp Variant Classification Summary - May 2015. Collection method: clinical testing. Allele origin: germline.
Comment: Variant summary: HADHA c.-1G>T is located in the untranslated mRNA region upstream of the initiation codon. The variant allele was found at a frequency of 0.0034 in 1578948 control chromosomes, predominantly at a frequency of 0.0042 within the Non-Finnish European subpopulation in the gnomAD database, including 13 homozygotes. The observed variant frequency within Non-Finnish European control individuals in the gnomAD database is approximately 1.7 fold of the estimated maximal expected allele frequency for a pathogenic variant in HADHA causing Mitochondrial Trifunctional Protein Deficiency phenotype (0.0025), strongly suggesting that the variant is a benign polymorphism found primarily in populations of Non-Finnish European origin. c.-1G>T has been reported in the literature in an individual affected with Mitochondrial Trifunctional Protein Deficiency (Spiekerkoetter_2002). Co-occurrence with a pathogenic variant was reported in this individual (HADHA c.1793_1794delAT, p.His598ArgfsX33), providing supporting evidence for a benign role. To our knowledge, no experimental evidence demonstrating an impact on protein function has been reported. The following publication has been ascertained in the context of this evaluation (PMID: 12442268). ClinVar contains an entry for this variant (Variation ID: 92593). Based on the evidence outlined above, the variant was classified as benign.

Genome-Nilou Lab
Classification: Likely benign for Long chain 3-hydroxyacyl-CoA dehydrogenase deficiency. Last evaluated: 2021-07-14. Review status: criteria provided, single submitter. Criteria: ACMG Guidelines, 2015. Collection method: clinical testing. Allele origin: germline. Affected: no.

Genome-Nilou Lab
Classification: Likely benign for Mitochondrial trifunctional protein deficiency 1. Last evaluated: 2021-07-14. Review status: criteria provided, single submitter. Criteria: ACMG Guidelines, 2015. Collection method: clinical testing. Allele origin: germline. Affected: no.

GeneDx
Classification: Likely benign. Last evaluated: 2021-04-08. Review status: criteria provided, single submitter. Criteria: GeneDx Variant Classification Process June 2021. Collection method: clinical testing. Allele origin: germline. Affected: yes.

Illumina Laboratory Services, Illumina
Classification: Likely benign for Mitochondrial trifunctional protein deficiency 1. Last evaluated: 2017-04-27. Review status: criteria provided, single submitter. Criteria: ICSL Variant Classification Criteria 13 December 2019. Collection method: clinical testing. Allele origin: germline.
Comment: This variant was observed as part of a predisposition screen in an ostensibly healthy population. A literature search was performed for the gene, cDNA change, and amino acid change (where applicable). No publications were found based on this search. Allele frequency data from public databases allowed determination this variant is unlikely to cause disease. Therefore, this variant is classified as likely benign.

Illumina Laboratory Services, Illumina
Classification: Likely benign for Long chain 3-hydroxyacyl-CoA dehydrogenase deficiency. Last evaluated: 2017-04-27. Review status: criteria provided, single submitter. Criteria: ICSL Variant Classification Criteria 13 December 2019. Collection method: clinical testing. Allele origin: germline.
Comment: the same text as in the submission from Illumina Laboratory Services, Illumina above.

Eurofins Ntd Llc (ga)
Classification: Likely benign. Last evaluated: 2017-01-16. Review status: criteria provided, single submitter. Criteria: EGL Classification Definitions 2015. Collection method: clinical testing. Allele origin: germline. Observed: 3 variant alleles, 3 heterozygotes.

Natera, Inc.
Classification: Likely benign for Deficiency of long-chain 3-hydroxyacyl-coenzyme A dehydrogenase. Last evaluated: 2021-02-26. Review status: no assertion criteria provided. Collection method: clinical testing. Allele origin: germline. Not counted in ClinVar's aggregate classification.

PreventionGenetics, part of Exact Sciences
Classification: Likely benign for HADHA-related condition. Last evaluated: 2019-09-10. Review status: no assertion criteria provided. Collection method: clinical testing. Allele origin: germline. Not counted in ClinVar's aggregate classification.
Comment: This variant is classified as likely benign based on ACMG/AMP sequence variant interpretation guidelines (Richards et al. 2015 PMID: 25741868, with internal and published modifications).

Literature cited by the submitters: PubMed 12442268 (cited by Women's Health and Genetics/Laboratory Corporation of America, LabCorp).